The following is an entry in ClinVar:

ClinVar aggregate classification (germline): Likely pathogenic (1 of 4 stars; one submission).

Submission:

GeneDx
Classification: Likely pathogenic. Last evaluated: 2018-05-22. Review status: criteria provided, single submitter. Criteria: GeneDx Variant Classification (06012015). Collection method: clinical testing. Allele origin: germline. Affected: yes.
Comment: A variant that is likely pathogenic has been identified in the SCN1A gene. The I122M variant has not been published as a pathogenic variant, nor has it been reported as a benign variant to our knowledge. The I122M variant is not observed in large population cohorts (Lek et al., 2016; 1000 Genomes Consortium et al., 2015; Exome Variant Server). The I122M variant is a conservative amino acid substitution, which is not likely to impact secondary protein structure as these residues share similar properties. This substitution occurs at a conserved position predicted to be within the N-terminal cytoplasmic domain, In silico analysis predicts this variant is probably damaging to the protein structure/function. Additionally, multiple missense variants in nearby residues have been reported in Human Gene Mutation Database in association with SCN1A-related disorders (Stenson et al., 2014). Therefore, this variant is likely pathogenic; however, the possibility that it is benign cannot be excluded.

NM_001165963.4(SCN1A):c.366T>G (p.Ile122Met)

Gene: SCN1A (sodium voltage-gated channel alpha subunit 1; minus strand). Cytogenetic location: 2q24.3.
Variant type: single nucleotide variant.
Coding change: c.366T>G on transcript NM_001165963.4 (MANE Select); coding-DNA position 366, T replaced by G.
Protein change: p.Ile122Met; replaces isoleucine 122 with methionine.
Molecular consequence: missense variant. On other transcripts: 5 prime UTR variant (1), non-coding transcript variant (1).
Genome position (GRCh38, 1-based): chr2:166,058,587, A>C on the plus strand (T>G on the coding strand, the complement: SCN1A is on the minus strand). VCF-style: chr2-166058587-A-C. GRCh37 (hg19) VCF-style: chr2-166915097-A-C.
Other names: c.366T>G, p.Ile122Met (NM_001165964.3, NM_001202435.3, NM_001353948.2 and 10 more transcripts); c.-2060T>G (NM_001353961.2); short protein forms I122M.
Identifiers: ClinVar variation 432616 (VCV000432616.2), dbSNP rs752918105, ClinGen allele CA349076832.
Genomic context (GRCh38, chr2:166,058,587, plus strand): 5'-ATCATGTACAAATAGTTAATATTAATCACTTGAAAAAGGATATGAATGTACCAAAATCTT[A>C]ATAGCTATTTTCCTAAGAGGATTGAAGGGAGTTAAAATGTACAGGGCAGAGGTGGCACTG-3'
Protein context (NP_001159435.1, residues 112-132): TPFNPLRKIA[Ile122Met]KILVHSLFSM